The following is an entry in ClinVar:

ClinVar aggregate classification (germline): Pathogenic. Review status: reviewed by expert panel (3 of 4 stars). 2 submissions from 2 submitters: Pathogenic (1). 1 of the submissions does not count toward it. Last evaluated 2016-04-22.

Conditions:
Breast-ovarian cancer, familial, susceptibility to, 2 (BROVCA2). Also called: BRCA2 Hereditary Breast and Ovarian Cancer. Identifiers: Orphanet 145, MedGen C2675520, MONDO:0012933, OMIM 612555. Disease mechanism: loss of function.

Submissions (2):

Evidence-based Network for the Interpretation of Germline Mutant Alleles (ENIGMA)
Classification: Pathogenic for Breast-ovarian cancer, familial, susceptibility to, 2. Last evaluated: 2016-04-22. Review status: reviewed by expert panel. Criteria: ENIGMA BRCA1/2 Classification Criteria (2015). Collection method: curation. Allele origin: germline.
Comment: Variant allele predicted to encode a truncated non-functional protein.

Consortium of Investigators of Modifiers of BRCA1/2 (CIMBA), c/o University of Cambridge
Classification: Pathogenic for Breast-ovarian cancer, familial, susceptibility to, 2. Last evaluated: 2015-10-02. Review status: criteria provided, single submitter. Criteria: CIMBA Mutation Classification guidelines May 2016. Collection method: clinical testing. Allele origin: germline. Not counted in ClinVar's aggregate classification.

NM_000059.4(BRCA2):c.1906del (p.Ser636fs)

Gene: BRCA2 (BRCA2 DNA repair associated; plus strand). Cytogenetic location: 13q13.1.
Variant type: Deletion.
Coding change: c.1906del on transcript NM_000059.4 (MANE Select); coding-DNA position 1906, one base deleted (T; older notation c.1906delT).
Protein change: p.Ser636fs; shifts the reading frame from serine 636.
Molecular consequence: frameshift variant.
Genome position (GRCh38, 1-based): chr13:32,333,384, T deleted; the last of 2 consecutive T bases (chr13:32,333,383-32,333,384); deleting either gives the same sequence. VCF-style (leftmost placement, unchanged base first): chr13-32333382-AT-A. GRCh37 (hg19) VCF-style: chr13-32907519-AT-A.
Other names: 2134delT; c.1906delT (NM_000059.3).
Identifiers: ClinVar variation 236277 (VCV000236277.5), dbSNP rs878853298, ClinGen allele CA10581586.